The following is an entry in ClinVar:

NM_007186.6(CEP250):c.3773_3777del (p.Thr1258fs)

Gene: CEP250 (centrosomal protein 250; plus strand). Cytogenetic location: 20q11.22.
Variant type: Deletion.
Coding change: c.3773_3777del on transcript NM_007186.6 (MANE Select); coding-DNA positions 3773 to 3777, 5 bases deleted (CCCGG; older notation c.3773_3777delCCCGG).
Protein change: p.Thr1258fs; shifts the reading frame from threonine 1258.
Molecular consequence: frameshift variant.
Genome position (GRCh38, 1-based): chr20:35,498,712-35,498,716, CCCGG deleted. VCF-style (leftmost placement, unchanged base first): chr20-35498711-ACCCGG-A. GRCh37 (hg19) VCF-style: chr20-34086540-ACCCGG-A.
Other names: c.1877_1881del, p.Thr626fs (NM_001318219.1); short protein forms T626fs, T1258fs.
Identifiers: ClinVar variation 2117933 (VCV002117933.4), dbSNP rs2063918625, ClinGen allele CA2361677481.

ClinVar aggregate classification (germline): Pathogenic (1 of 4 stars; one submission).

Allele frequency attached by ClinVar (database versions not stated): gnomAD exomes below 0.00001; TOPMed below 0.00001.

Submission:

Labcorp Genetics (formerly Invitae), Labcorp
Classification: Pathogenic. Last evaluated: 2025-10-27. Review status: criteria provided, single submitter. Criteria: Invitae Variant Classification Sherloc (09022015). Collection method: clinical testing. Allele origin: germline.
Comment: This sequence change creates a premature translational stop signal (p.Thr1258Argfs*16) in the CEP250 gene. It is expected to result in an absent or disrupted protein product. Loss-of-function variants in CEP250 are known to be pathogenic (PMID: 24780881, 29718797). This variant is not present in population databases (gnomAD no frequency). This variant has not been reported in the literature in individuals affected with CEP250-related conditions. ClinVar contains an entry for this variant (Variation ID: 2117933). Algorithms developed to predict the effect of sequence changes on RNA splicing suggest that this variant may disrupt the consensus splice site. For these reasons, this variant has been classified as Pathogenic.

Literature cited by the submitters: PubMed 24780881; PubMed 29718797.